The following is an entry in ClinVar:

ClinVar aggregate classification (germline): Uncertain significance. Review status: criteria provided, multiple submitters, no conflicts (2 of 4 stars). 2 submissions from 2 submitters: Uncertain significance (2). Last evaluated 2023-08-19.

Conditions:
Amyloidosis, hereditary systemic 1 (AMYLD1). Also called: Familial amyloid polyneuropathy; Transthyretin Amyloidosis; Hereditary oculoleptomeningeal amyloid angiopathy; Familial Transthyretin Amyloidosis; Isolated Cardiac Amyloidosis; Amyloid Cardiomyopathy, Transthyretin-related. Identifiers: Orphanet 85447, Orphanet 85451, MedGen C2751492, MONDO:0971004, OMIM 105210.

Allele frequency attached by ClinVar (database versions not stated): gnomAD exomes 0.00001; ExAC 0.00002.
gnomAD v4.1: 18 of 1,614,008 alleles (0.0011%); highest among the groups gnomAD compares: South Asian, 0.02%; no homozygotes.

Submissions (2):

Women's Health and Genetics/Laboratory Corporation of America, LabCorp
Classification: Uncertain significance. Last evaluated: 2023-08-19. Review status: criteria provided, single submitter. Criteria: LabCorp Variant Classification Summary - May 2015. Collection method: clinical testing. Allele origin: germline.

Labcorp Genetics (formerly Invitae), Labcorp
Classification: Uncertain significance for Amyloidosis, hereditary systemic 1. Last evaluated: 2022-06-23. Review status: criteria provided, single submitter. Criteria: Invitae Variant Classification Sherloc (09022015). Collection method: clinical testing. Allele origin: germline.
Comment: This sequence change falls in intron 1 of the TTR gene. It does not directly change the encoded amino acid sequence of the TTR protein. It affects a nucleotide within the consensus splice site. This variant is present in population databases (rs758315427, gnomAD 0.02%). In summary, the available evidence is currently insufficient to determine the role of this variant in disease. Therefore, it has been classified as a Variant of Uncertain Significance. Variants that disrupt the consensus splice site are a relatively common cause of aberrant splicing (PMID: 17576681, 9536098). Algorithms developed to predict the effect of sequence changes on RNA splicing suggest that this variant is not likely to affect RNA splicing. This variant has not been reported in the literature in individuals affected with TTR-related conditions.

Literature cited by the submitters: PubMed 17576681 (cited by Labcorp Genetics (formerly Invitae), Labcorp); PubMed 9536098 (cited by Labcorp Genetics (formerly Invitae), Labcorp).

NM_000371.4(TTR):c.69+6T>C

Gene: TTR (transthyretin; plus strand). Cytogenetic location: 18q12.1.
Variant type: single nucleotide variant.
Coding change: c.69+6T>C on transcript NM_000371.4 (MANE Select); 6 bases into the intron after coding-DNA position 69, T replaced by C.
Molecular consequence: intron variant.
Genome position (GRCh38, 1-based): chr18:31,591,977, T>C. VCF-style: chr18-31591977-T-C. GRCh37 (hg19) VCF-style: chr18-29171940-T-C.
Other names: c.69+6T>C (NM_000371.3).
Identifiers: ClinVar variation 2172830 (VCV002172830.5), dbSNP rs758315427, ClinGen allele CA8928383.